The following is an entry in ClinVar:

NM_020320.5(RARS2):c.284_285del (p.Glu95fs)

Gene: RARS2 (arginyl-tRNA synthetase 2, mitochondrial; minus strand). Cytogenetic location: 6q15.
Variant type: Microsatellite.
Coding change: c.284_285del on transcript NM_020320.5 (MANE Select); coding-DNA positions 284 to 285, 2 bases deleted (AG; older notation c.284_285delAG).
Protein change: p.Glu95fs; shifts the reading frame from glutamic acid 95.
Molecular consequence: frameshift variant. On other transcripts: 5 prime UTR variant (7), non-coding transcript variant (23).
Genome position (GRCh38, 1-based): chr6:87,562,714-87,562,715, CT deleted on the plus strand (AG on the coding strand, the reverse complement: RARS2 is on the minus strand); deleting any 2 consecutive bases within chr6:87,562,714-87,562,719 gives the same sequence; the c. name uses the placement nearest the transcript's 3' end. VCF-style (leftmost placement, unchanged base first): chr6-87562713-GCT-G. GRCh37 (hg19) VCF-style: chr6-88272431-GCT-G.
Other names: c.284_285del (NM_020320.4); c.-190AG[2] (NM_001318785.2, NM_001350509.2); c.284_285del, p.Glu95fs (NM_001350505.2); c.-246AG[2] (NM_001350506.2, NM_001350507.2, NM_001350510.2 and 1 more transcripts); c.-408AG[2] (NM_001350508.2); short protein forms E95fs.
Identifiers: ClinVar variation 1074408 (VCV001074408.11), dbSNP rs767056243, ClinGen allele CA2580617310.

ClinVar aggregate classification (germline): Pathogenic/Likely pathogenic. Review status: criteria provided, multiple submitters, no conflicts (2 of 4 stars). 4 submissions from 4 submitters: Pathogenic (1); Likely pathogenic (3). Last evaluated 2025-04-22.

Conditions:
Pontocerebellar hypoplasia type 6 (PCH6). Identifiers: Orphanet 166073, MedGen C1969084, MONDO:0012683, OMIM 611523.

Submissions (4):

Natera, Inc.
Classification: Likely pathogenic for Pontocerebellar hypoplasia, type 6. Last evaluated: 2025-04-22. Review status: criteria provided, single submitter. Criteria: Natera Variant Classification Schema (03/2026). Collection method: clinical testing. Allele origin: germline.
Comment: The c.284_285del variant in RARS2 is a frameshift variant predicted to shift the reading frame beginning at codon 95 and leads to a stop codon 12 codons downstream. This variant is expected to result in nonsense mediated decay, truncation, or a dysfunctional protein product. This variant is rare in the general population with a frequency below the threshold expected for the associated phenotype(s). Given the available evidence, this variant is classified as Likely Pathogenic.

Baylor Genetics
Classification: Likely pathogenic for Pontocerebellar hypoplasia type 6. Last evaluated: 2023-10-20. Review status: criteria provided, single submitter. Criteria: ACMG Guidelines, 2015. Collection method: clinical testing. Allele origin: unknown.

Labcorp Genetics (formerly Invitae), Labcorp
Classification: Pathogenic. Last evaluated: 2020-10-19. Review status: criteria provided, single submitter. Criteria: Invitae Variant Classification Sherloc (09022015). Collection method: clinical testing. Allele origin: germline.
Comment: This sequence change creates a premature translational stop signal (p.Glu95Alafs*12) in the RARS2 gene. It is expected to result in an absent or disrupted protein product. Loss-of-function variants in RARS2 are known to be pathogenic (PMID: 17847012, 22569581, 26083569). This variant is not present in population databases (ExAC no frequency). This variant has not been reported in the literature in individuals with RARS2-related conditions. For these reasons, this variant has been classified as Pathogenic.

Neuberg Centre For Genomic Medicine, NCGM
Classification: Likely pathogenic for Pontocerebellar hypoplasia type 6. Review status: criteria provided, single submitter. Criteria: ACMG Guidelines, 2015. Collection method: clinical testing. Allele origin: germline. Inheritance: Autosomal recessive inheritance. Affected: yes.
Comment: The observed frameshift c.284_285del (p.Glu95AlafsTer12) variant in RARS2 gene has been submitted to the ClinVar database as Pathogenic. The p.Glu95AlafsTer12 variant is absent in gnomAD Exomes. This variant causes a frameshift starting with codon Glutamic Acid 95, changes this amino acid to Alanine residue, and creates a premature Stop codon at position 12 of the new reading frame, denoted p.Glu95AlafsTer12. This variant is predicted to cause loss of normal protein function through protein truncation. Loss-of-function variants in RARS2 are known to be pathogenic (Lax et al., 2015). However, functional studies will be required to prove the pathogenicity of this variant. For these reasons, this variant has been classified as Likely Pathogenic.

Literature cited by the submitters: PubMed 17847012 (cited by Labcorp Genetics (formerly Invitae), Labcorp); PubMed 22569581 (cited by Labcorp Genetics (formerly Invitae), Labcorp); PubMed 26083569 (cited by Labcorp Genetics (formerly Invitae), Labcorp).